The following is an entry in ClinVar:

NM_002470.4(MYH3):c.4649C>G (p.Ala1550Gly)

Gene: MYH3 (myosin heavy chain 3; minus strand). Cytogenetic location: 17p13.1.
Variant type: single nucleotide variant.
Coding change: c.4649C>G on transcript NM_002470.4 (MANE Select); coding-DNA position 4649, C replaced by G.
Protein change: p.Ala1550Gly; replaces alanine 1550 with glycine.
Molecular consequence: missense variant.
Genome position (GRCh38, 1-based): chr17:10,632,783, G>C on the plus strand (C>G on the coding strand, the complement: MYH3 is on the minus strand). VCF-style: chr17-10632783-G-C. GRCh37 (hg19) VCF-style: chr17-10536100-G-C.
Other names: short protein forms A1550G.
Identifiers: ClinVar variation 4777085 (VCV004777085.1).

ClinVar aggregate classification (germline): Uncertain significance (1 of 4 stars; one submission).

gnomAD v4.1: 2 of 1,614,184 alleles (0.00012%); highest among the groups gnomAD compares: Admixed American, 0.0033%; no homozygotes.

Submission:

Labcorp Genetics (formerly Invitae), Labcorp
Classification: Uncertain significance. Last evaluated: 2025-09-11. Review status: criteria provided, single submitter. Criteria: Invitae Variant Classification Sherloc (09022015). Collection method: clinical testing. Allele origin: germline.
Comment: This sequence change replaces alanine, which is neutral and non-polar, with glycine, which is neutral and non-polar, at codon 1550 of the MYH3 protein (p.Ala1550Gly). This variant is present in population databases (rs778723610, gnomAD 0.003%). This variant has not been reported in the literature in individuals affected with MYH3-related conditions. An algorithm developed to predict the effect of missense changes on protein structure and function (PolyPhen-2) suggests that this variant is likely to be disruptive. In summary, the available evidence is currently insufficient to determine the role of this variant in disease. Therefore, it has been classified as a Variant of Uncertain Significance.